The following is an entry in ClinVar:

NM_001283009.2(RTEL1):c.2003G>C (p.Gly668Ala)

Genes: RTEL1 (regulator of telomere elongation helicase 1; plus strand), RTEL1-TNFRSF6B (RTEL1-TNFRSF6B readthrough (NMD candidate); plus strand). Cytogenetic location: 20q13.33.
Variant type: single nucleotide variant.
Coding change: c.2003G>C on transcript NM_001283009.2 (MANE Select); coding-DNA position 2003, G replaced by C.
Protein change: p.Gly668Ala; replaces glycine 668 with alanine.
Molecular consequence: missense variant. On other transcripts: non-coding transcript variant (1).
Genome position (GRCh38, 1-based): chr20:63,689,626, G>C. VCF-style: chr20-63689626-G-C. GRCh37 (hg19) VCF-style: chr20-62320979-G-C.
Other names: c.1334G>C, p.Gly445Ala (NM_001283010.1); c.2003G>C, p.Gly668Ala (NM_016434.4); c.2075G>C, p.Gly692Ala (NM_032957.5); short protein forms G668A, G692A, G445A.
Identifiers: ClinVar variation 4157703 (VCV004157703.1).

ClinVar aggregate classification (germline): Uncertain significance (1 of 4 stars; one submission).

Conditions:
Inborn genetic diseases. Identifiers: MedGen C0950123, MeSH D030342.

gnomAD v4.1: 1 of 1,612,208 alleles (0.000062%); highest among the groups gnomAD compares: Non-Finnish European, 0.000085%; no homozygotes.

Submission:

Ambry Genetics
Classification: Uncertain significance for Inborn genetic diseases. Last evaluated: 2025-08-25. Review status: criteria provided, single submitter. Criteria: Ambry Variant Classification Scheme 2023. Collection method: clinical testing. Allele origin: germline.
Comment: The p.G668A variant (also known as c.2003G>C), located in coding exon 22 of the RTEL1 gene, results from a G to C substitution at nucleotide position 2003. The glycine at codon 668 is replaced by alanine, an amino acid with similar properties. This amino acid position is conserved. In addition, this alteration is predicted to be tolerated by in silico analysis. Based on the available evidence, the clinical significance of this variant remains unclear.